The following is an entry in ClinVar:

NM_006236.3(POU3F3):c.468C>A (p.Asp156Glu)

Gene: POU3F3 (POU class 3 homeobox 3; plus strand). Cytogenetic location: 2q12.1.
Variant type: single nucleotide variant.
Coding change: c.468C>A on transcript NM_006236.3 (MANE Select); coding-DNA position 468, C replaced by A.
Protein change: p.Asp156Glu; replaces aspartic acid 156 with glutamic acid.
Molecular consequence: missense variant.
Genome position (GRCh38, 1-based): chr2:104,855,978, C>A. VCF-style: chr2-104855978-C-A. GRCh37 (hg19) VCF-style: chr2-105472436-C-A.
Other names: c.468C>A, p.Asp156Glu (NM_001433704.1); short protein forms D156E.
Identifiers: ClinVar variation 4885308 (VCV004885308.2).

ClinVar aggregate classification (germline): Uncertain significance (1 of 4 stars; one submission).

gnomAD v4.1: 2 of 1,035,452 alleles (0.00019%); highest among the groups gnomAD compares: South Asian, 0.0063%; no homozygotes.

Submission:

Dasa
Classification: Uncertain significance. Last evaluated: 2025-06-07. Review status: criteria provided, single submitter. Criteria: DASA Assertion Criteria. Collection method: clinical testing. Allele origin: germline.
Comment: NM_006236.3(POU3F3):c.468C>A (p.Asp156Glu) is a missense variant that results in the substitution of aspartic acid with glutamic acid. This variant is rare in population databases. Computational prediction algorithms are consistent with a benign effect. The currently available literature and clinical evidence are not sufficient to establish a definitive association between this variant and the reported condition. Therefore, this variant is classified as a variant of uncertain significance.